The following is an entry in ClinVar:

ClinVar aggregate classification (germline): Pathogenic (1 of 4 stars; one submission).

Conditions:
Mucopolysaccharidosis, MPS-III-C (MPS3C). Also called: SANFILIPPO SYNDROME C; MUCOPOLYSACCHARIDOSIS, TYPE IIIC; Mucopolysaccharidosis type IIIC (Sanfilippo C); MPS IIIC (Sanfilippo Syndrome Type C); mucopolysaccharidosis type 3C; MPS III C. Identifiers: Orphanet 581, Orphanet 79271, MedGen C0086649, MONDO:0009657, OMIM 252930.

Submission:

Myriad Genetics, Inc.
Classification: Pathogenic for Mucopolysaccharidosis, MPS-III-C. Last evaluated: 2025-12-12. Review status: criteria provided, single submitter. Criteria: Myriad Autosomal Dominant, Autosomal Recessive and X-Linked Classification Criteria (2023). Collection method: clinical testing. Allele origin: unknown.
Comment: NM_152419.2(HGSNAT):c.115C>T(R39*) is a nonsense variant classified as pathogenic in the context of mucopolysaccharidosis type IIIC. R39* has not been observed in cases with relevant disease. Relevant functional assessments of this variant are not available in the literature. R39* has not been observed in referenced population frequency databases. In summary, NM_152419.2(HGSNAT):c.115C>T(R39*) is a nonsense variant in a gene where loss of function is a known mechanism of disease and is predicted to disrupt protein function. Please note: this variant was assessed in the context of healthy population screening.

NM_152419.3(HGSNAT):c.115C>T (p.Arg39Ter)

Genes: HGSNAT (heparan-alpha-glucosaminide N-acetyltransferase; plus strand), LOC130000316 (ATAC-STARR-seq lymphoblastoid silent region 19164; plus strand). Cytogenetic location: 8p11.21.
Variant type: single nucleotide variant.
Coding change: c.115C>T on transcript NM_152419.3 (MANE Select); coding-DNA position 115, C replaced by T.
Protein change: p.Arg39Ter; replaces arginine 39 with a stop codon.
Molecular consequence: nonsense. On other transcripts: 5 prime UTR variant (1).
Genome position (GRCh38, 1-based): chr8:43,140,611, C>T. VCF-style: chr8-43140611-C-T. GRCh37 (hg19) VCF-style: chr8-42995754-C-T.
Other names: c.115C>T, p.Arg39Ter (NM_001363227.2, NM_001363228.2); c.-719C>T (NM_001363229.2); short protein forms R39*.
Identifiers: ClinVar variation 5003389 (VCV005003389.1).